The following is an entry in ClinVar:

ClinVar aggregate classification (germline): Conflicting classifications of pathogenicity. Review status: criteria provided, conflicting classifications (1 of 4 stars). 3 submissions from 3 submitters: Uncertain significance (2); Likely benign (1). Last evaluated 2026-06-01.

Conditions:
Cardiovascular phenotype. Identifiers: MedGen CN230736.

Allele frequency attached by ClinVar (database versions not stated): gnomAD exomes 0.00004; ExAC 0.00007.
gnomAD v4.1: 33 of 1,549,888 alleles (0.0021%); highest among the groups gnomAD compares: Admixed American, 0.012%; no homozygotes.

Submissions (3):

Ambry Genetics
Classification: Likely benign for Cardiovascular phenotype. Last evaluated: 2026-06-01. Review status: criteria provided, single submitter. Criteria: Ambry Variant Classification Scheme 2023. Collection method: clinical testing. Allele origin: germline.

Labcorp Genetics (formerly Invitae), Labcorp
Classification: Uncertain significance. Last evaluated: 2025-12-10. Review status: criteria provided, single submitter. Criteria: Invitae Variant Classification Sherloc (09022015). Collection method: clinical testing. Allele origin: germline.
Comment: This sequence change replaces alanine, which is neutral and non-polar, with threonine, which is neutral and polar, at codon 2475 of the ZNF469 protein (p.Ala2475Thr). This variant is present in population databases (rs747622601, gnomAD 0.01%). This variant has not been reported in the literature in individuals affected with ZNF469-related conditions. ClinVar contains an entry for this variant (Variation ID: 1518866). An algorithm developed to predict the effect of missense changes on protein structure and function outputs the following: PolyPhen-2: "Benign". The threonine amino acid residue is found in multiple mammalian species, which suggests that this missense change does not adversely affect protein function. In summary, the available evidence is currently insufficient to determine the role of this variant in disease. Therefore, it has been classified as a Variant of Uncertain Significance.

GeneDx
Classification: Uncertain significance. Last evaluated: 2022-03-02. Review status: criteria provided, single submitter. Criteria: GeneDx Variant Classification Process June 2021. Collection method: clinical testing. Allele origin: germline. Affected: yes.
Comment: Has not been previously published as pathogenic or benign to our knowledge; Not observed at significant frequency in large population cohorts (gnomAD); In silico analysis supports that this missense variant does not alter protein structure/function

NM_001367624.2(ZNF469):c.7507G>A (p.Ala2503Thr)

Gene: ZNF469 (zinc finger protein 469; plus strand). Cytogenetic location: 16q24.2.
Variant type: single nucleotide variant.
Coding change: c.7507G>A on transcript NM_001367624.2 (MANE Select); coding-DNA position 7507, G replaced by A.
Protein change: p.Ala2503Thr; replaces alanine 2503 with threonine.
Molecular consequence: missense variant.
Genome position (GRCh38, 1-based): chr16:88,434,977, G>A. VCF-style: chr16-88434977-G-A. GRCh37 (hg19) VCF-style: chr16-88501385-G-A.
Other names: NM_001127464.1:c.7423G>A; short protein forms A2503T.
Identifiers: ClinVar variation 1518866 (VCV001518866.9), dbSNP rs747622601, ClinGen allele CA8225252.